The following is an entry in ClinVar:

NM_032776.3(JMJD1C):c.162C>G (p.Asp54Glu)

Genes: JMJD1C (jumonji domain containing 1C; minus strand), JMJD1C-AS1 (JMJD1C antisense RNA 1; plus strand). Cytogenetic location: 10q21.3.
Variant type: single nucleotide variant.
Coding change: c.162C>G on transcript NM_032776.3 (MANE Select); coding-DNA position 162, C replaced by G.
Protein change: p.Asp54Glu; replaces aspartic acid 54 with glutamic acid.
Molecular consequence: missense variant. On other transcripts: non-coding transcript variant (1), intron variant (2).
Genome position (GRCh38, 1-based): chr10:63,465,501, G>C on the plus strand (C>G on the coding strand, the complement: JMJD1C is on the minus strand). VCF-style: chr10-63465501-G-C. GRCh37 (hg19) VCF-style: chr10-65225261-G-C.
Other names: c.162C>G, p.Asp54Glu (NM_001322252.2); c.-384+56237C>G (NM_001322258.2); c.-379+56237C>G (NM_001318154.2); short protein forms D54E.
Identifiers: ClinVar variation 2717823 (VCV002717823.3), dbSNP rs754073844, ClinGen allele CA5519193.

ClinVar aggregate classification (germline): Uncertain significance (1 of 4 stars; one submission).

Conditions:
Early Myoclonic Encephalopathy. Identifiers: MedGen C0270855.

gnomAD v4.1: 2 of 1,603,328 alleles (0.00012%); highest among the groups gnomAD compares: East Asian, 0.0022%; no homozygotes.

Submission:

Labcorp Genetics (formerly Invitae), Labcorp
Classification: Uncertain significance for Early Myoclonic Encephalopathy. Last evaluated: 2024-01-04. Review status: criteria provided, single submitter. Criteria: Invitae Variant Classification Sherloc (09022015). Collection method: clinical testing. Allele origin: germline.
Comment: This sequence change replaces aspartic acid, which is acidic and polar, with glutamic acid, which is acidic and polar, at codon 54 of the JMJD1C protein (p.Asp54Glu). This variant is present in population databases (rs754073844, gnomAD 0.006%). This variant has not been reported in the literature in individuals affected with JMJD1C-related conditions. An algorithm developed to predict the effect of missense changes on protein structure and function (PolyPhen-2) suggests that this variant is likely to be tolerated. In summary, the available evidence is currently insufficient to determine the role of this variant in disease. Therefore, it has been classified as a Variant of Uncertain Significance.